The following is an entry in ClinVar:

ClinVar aggregate classification (germline): Conflicting classifications of pathogenicity. Review status: criteria provided, conflicting classifications (1 of 4 stars). 3 submissions from 3 submitters: Likely pathogenic (2); Uncertain significance (1). Last evaluated 2026-01-27.

Conditions:
Arthrogryposis multiplex congenita 6. Identifiers: MedGen C5543431, MONDO:0030281, OMIM 619334.
Nemaline myopathy. Also called: Myopathies, Nemaline. Identifiers: Orphanet 607, MedGen C0206157, MONDO:0018958.
Nemaline myopathy 2 (NEM2). Also called: Nemaline myopathy 2, autosomal recessive. Identifiers: MedGen C1850569, MONDO:0009725, OMIM 256030.

Allele frequency attached by ClinVar (database versions not stated): gnomAD 0.00001; 1000 Genomes Project 30x 0.00016; 1000 Genomes Project 0.00020.
gnomAD v4.1: 1 of 1,605,528 alleles (0.000062%); highest among the groups gnomAD compares: African/African-American, 0.0013%; no homozygotes.

Submissions (3):

Myriad Genetics, Inc.
Classification: Uncertain significance for Nemaline myopathy 2. Last evaluated: 2026-01-27. Review status: criteria provided, single submitter. Criteria: Myriad Autosomal Dominant, Autosomal Recessive and X-Linked Classification Criteria (2023). Collection method: clinical testing. Allele origin: unknown.
Comment: NM_001271208.1(NEB):c.9102+1G>C is a variant in a canonical splice site classified as a variant of uncertain significance in the context of NEB-related nemaline myopathy. c.9102+1G>C has not been observed in cases with relevant disease. Relevant functional assessments of this variant are not available in the literature. c.9102+1G>C has not been observed in referenced population frequency databases. In summary, there is insufficient evidence to classify NM_001271208.1(NEB):c.9102+1G>C as pathogenic or benign. Please note: this variant was assessed in the context of healthy population screening.

Broad Center for Mendelian Genomics, Broad Institute of MIT and Harvard
Classification: Likely pathogenic for Nemaline myopathy. Last evaluated: 2025-03-17. Review status: criteria provided, single submitter. Criteria: ACMG Guidelines, 2015. Collection method: curation. Allele origin: germline. Inheritance: Autosomal recessive inheritance.
Comment: The c.9102+1G>C variant in NEB has not been previously reported in the literature in individuals with nemaline myopathy, but has been identified in 0.001% (1/74996) of African/African American chromosomes by the Genome Aggregation Database (gnomAD; dbSNP ID: rs143644938). Although this variant has been seen in the general population in a heterozygous state, its frequency is low enough to be consistent with a recessive carrier frequency. This variant has also been reported in ClinVar (Variation ID: 2501814) and has been interpreted as likely pathogenic by Lifecell International Pvt. Ltd. This variant is located in the 5' splice region. SpliceAI predictions indicate use of an out-of-frame cryptic splice site 23 bases from the intron-exon boundary, providing evidence that this variant may cause a frameshift and lead to a premature termination codon downstream. This alteration is then predicted to lead to a truncated or absent protein. However, this information is not predictive enough to determine pathogenicity. Loss of function of the NEB gene is an established disease mechanism in autosomal recessive nemaline myopathy. In summary, although additional studies are required to fully establish its clinical significance, this variant is likely pathogenic for autosomal recessive nemaline myopathy. ACMG/AMP Criteria applied: PVS1, PM2_supporting (Richards 2015).

Lifecell International Pvt. Ltd
Classification: Likely pathogenic for Arthrogryposis multiplex congenita 6. Review status: criteria provided, single submitter. Criteria: ACMG Guidelines, 2015. Collection method: clinical testing. Allele origin: germline. Inheritance: Autosomal recessive inheritance. Affected: yes. Observed: 1 compound heterozygote.
Comment: A Heterozygous Splice site donor variant c.9102+1G>C in Exon 64 of the NEB gene that results in the amino acid substitution was identified. The observed variant is novel in gnomAD exomes and genomes. The severity of the impact of this variant on the protein is high, based on the effect of the protein and REVEL score . Rare Exome Variant Ensemble Learner (REVEL) is an ensembl method for predicting the pathogenicity of missense variants based on a combination of scores from 13 individual tools: MutPred, FATHMM v2.3, VEST 3.0, PolyPhen-2, SIFT, PROVEAN, MutationAssessor, MutationTaster, LRT, GERP++, SiPhy, phyloP, and phastCons. The REVEL score for an individual missense variant can range from 0 to 1, with higher scores reflecting greater likelihood that the variant is disease-causing. For these reasons, this variant has been classified as Likely Pathogenic.

NM_001164508.2(NEB):c.9102+1G>C

Gene: NEB (nebulin; minus strand). Cytogenetic location: 2q23.3.
Variant type: single nucleotide variant.
Coding change: c.9102+1G>C on transcript NM_001164508.2 (MANE Select); the canonical splice donor site of the intron after coding-DNA position 9102, G replaced by C.
Molecular consequence: splice donor variant. On other transcripts: intron variant (1).
Genome position (GRCh38, 1-based): chr2:151,636,226, C>G on the plus strand (G>C on the coding strand, the complement: NEB is on the minus strand). VCF-style: chr2-151636226-C-G. GRCh37 (hg19) VCF-style: chr2-152492740-C-G.
Other names: c.8853+3667G>C (NM_004543.5); c.9102+1G>C (NM_001164507.2, NM_001271208.2).
Identifiers: ClinVar variation 2501814 (VCV002501814.3), dbSNP rs143644938, ClinGen allele CA57660925.